The following is an entry in ClinVar:

NM_001330723.2(SNX27):c.437G>C (p.Ser146Thr)

Gene: SNX27 (sorting nexin 27; plus strand). Cytogenetic location: 1q21.3.
Variant type: single nucleotide variant.
Coding change: c.437G>C on transcript NM_001330723.2 (MANE Select); coding-DNA position 437, G replaced by C.
Protein change: p.Ser146Thr; replaces serine 146 with threonine.
Molecular consequence: missense variant.
Genome position (GRCh38, 1-based): chr1:151,639,013, G>C. VCF-style: chr1-151639013-G-C. GRCh37 (hg19) VCF-style: chr1-151611489-G-C.
Other names: c.437G>C (NM_030918.5); c.437G>C, p.Ser146Thr (NM_030918.6); short protein forms S146T.
Identifiers: ClinVar variation 2021631 (VCV002021631.2), dbSNP rs747636472, ClinGen allele CA1093417.

ClinVar aggregate classification (germline): Uncertain significance. Review status: criteria provided, multiple submitters, no conflicts (2 of 4 stars). 2 submissions from 2 submitters: Uncertain significance (2). Last evaluated 2025-11-11.

Conditions:
Inborn genetic diseases. Identifiers: MedGen C0950123, MeSH D030342.
Severe myoclonic epilepsy in infancy (DRVT). Also called: SEVERE MYOCLONIC EPILEPSY OF INFANCY; DEVELOPMENTAL AND EPILEPTIC ENCEPHALOPATHY 6A; Severe Myoclonic Epilepsy in Infancy (SMEI); Epileptic encephalopathy, early infantile, 6 (Dravet syndrome); Dravet syndrome. Identifiers: Orphanet 33069, MedGen C0751122, MONDO:0100135, OMIM 607208.

Allele frequency attached by ClinVar (database versions not stated): gnomAD exomes below 0.00001; ExAC 0.00001; TOPMed 0.00001.
gnomAD v4.1: 2 of 1,614,134 alleles (0.00012%); highest among the groups gnomAD compares: Admixed American, 0.0033%; no homozygotes.

Submissions (2):

Ambry Genetics
Classification: Uncertain significance for Inborn genetic diseases. Last evaluated: 2025-11-11. Review status: criteria provided, single submitter. Criteria: Ambry Variant Classification Scheme 2023. Collection method: clinical testing. Allele origin: germline.

Labcorp Genetics (formerly Invitae), Labcorp
Classification: Uncertain significance for Severe myoclonic epilepsy in infancy. Last evaluated: 2022-05-17. Review status: criteria provided, single submitter. Criteria: Invitae Variant Classification Sherloc (09022015). Collection method: clinical testing. Allele origin: germline.
Comment: This sequence change replaces serine, which is neutral and polar, with threonine, which is neutral and polar, at codon 146 of the SNX27 protein (p.Ser146Thr). This variant is present in population databases (rs747636472, gnomAD 0.006%). This variant has not been reported in the literature in individuals affected with SNX27-related conditions. Algorithms developed to predict the effect of missense changes on protein structure and function (SIFT, PolyPhen-2, Align-GVGD) all suggest that this variant is likely to be tolerated. In summary, the available evidence is currently insufficient to determine the role of this variant in disease. Therefore, it has been classified as a Variant of Uncertain Significance.